The following is an entry in ClinVar:

ClinVar aggregate classification (germline): Uncertain significance. Review status: criteria provided, multiple submitters, no conflicts (2 of 4 stars). 2 submissions from 2 submitters: Uncertain significance (2). Last evaluated 2024-02-06.

Submissions (2):

Labcorp Genetics (formerly Invitae), Labcorp
Classification: Uncertain significance. Last evaluated: 2024-02-06. Review status: criteria provided, single submitter. Criteria: Invitae Variant Classification Sherloc (09022015). Collection method: clinical testing. Allele origin: germline.
Comment: This sequence change replaces cysteine, which is neutral and slightly polar, with tyrosine, which is neutral and polar, at codon 55 of the HNF4A protein (p.Cys55Tyr). This variant is not present in population databases (gnomAD no frequency). This variant has not been reported in the literature in individuals affected with HNF4A-related conditions. Advanced modeling of protein sequence and biophysical properties (such as structural, functional, and spatial information, amino acid conservation, physicochemical variation, residue mobility, and thermodynamic stability) has been performed at Invitae for this missense variant, however the output from this modeling did not meet the statistical confidence thresholds required to predict the impact of this variant on HNF4A protein function. In summary, the available evidence is currently insufficient to determine the role of this variant in disease. Therefore, it has been classified as a Variant of Uncertain Significance.

Blueprint Genetics
Classification: Uncertain significance. Last evaluated: 2020-03-06. Review status: criteria provided, single submitter. Criteria: ACMG Guidelines, 2015. Collection method: clinical testing. Allele origin: germline.

NM_175914.5(HNF4A):c.164G>A (p.Cys55Tyr)

Gene: HNF4A (hepatocyte nuclear factor 4 alpha; plus strand). Cytogenetic location: 20q13.12.
Variant type: single nucleotide variant.
Coding change: c.164G>A on transcript NM_175914.5 (MANE Select); coding-DNA position 164, G replaced by A.
Protein change: p.Cys55Tyr; replaces cysteine 55 with tyrosine.
Molecular consequence: missense variant.
Genome position (GRCh38, 1-based): chr20:44,406,172, G>A. VCF-style: chr20-44406172-G-A. GRCh37 (hg19) VCF-style: chr20-43034812-G-A.
Other names: c.230G>A, p.Cys77Tyr (NM_000457.6, NM_178849.3, NM_178850.3); c.164G>A, p.Cys55Tyr (NM_001030003.3, NM_001030004.3); c.209G>A, p.Cys70Tyr (NM_001258355.2); c.155G>A, p.Cys52Tyr (NM_001287182.2, NM_001287183.2, NM_001287184.2); short protein forms C70Y, C55Y, C77Y, C52Y.
Identifiers: ClinVar variation 3639172 (VCV003639172.3).